The following is an entry in ClinVar:

ClinVar aggregate classification (germline): Uncertain significance. Review status: criteria provided, multiple submitters, no conflicts (2 of 4 stars). 2 submissions from 2 submitters: Uncertain significance (2). Last evaluated 2024-04-30.

Conditions:
Imerslund-Grasbeck syndrome type 2. Also called: Megaloblastic anemia 1, Norwegian type; MEGALOBLASTIC ANEMIA, NORWEGIAN TYPE; Imerslund-Gräsbeck syndrome 2. Identifiers: MedGen C4016948, MONDO:0100157, OMIM 618882.
Imerslund-Grasbeck syndrome. Also called: Imerslund-Gräsbeck syndrome; Megaloblastic anemia due to inborn errors of metabolism; ENTEROCYTE COBALAMIN MALABSORPTION; ENTEROCYTE INTRINSIC FACTOR RECEPTOR, DEFECT OF; PERNICIOUS ANEMIA, JUVENILE, DUE TO SELECTIVE INTESTINAL MALABSORPTION OF VITAMIN B12, WITH PROTEINURIA. Identifiers: Orphanet 35858, MedGen C4551825, MONDO:0009853.

Allele frequency attached by ClinVar (database versions not stated): gnomAD exomes 0.00003 and 0.00012; ExAC 0.00016; ESP Exome Variant Server 0.00032; TOPMed 0.00039; 1000 Genomes Project 0.00040; gnomAD 0.00040 and 0.00043; 1000 Genomes Project 30x 0.00047.

Submissions (2):

Fulgent Genetics
Classification: Uncertain significance for Imerslund-Grasbeck syndrome type 2. Last evaluated: 2024-04-30. Review status: criteria provided, single submitter. Criteria: ACMG Guidelines, 2015. Collection method: clinical testing. Allele origin: germline.

Labcorp Genetics (formerly Invitae), Labcorp
Classification: Uncertain significance for Imerslund-Grasbeck syndrome. Last evaluated: 2022-06-09. Review status: criteria provided, single submitter. Criteria: Invitae Variant Classification Sherloc (09022015). Collection method: clinical testing. Allele origin: germline.
Comment: This sequence change replaces valine, which is neutral and non-polar, with methionine, which is neutral and non-polar, at codon 310 of the AMN protein (p.Val310Met). This variant is present in population databases (rs201788173, gnomAD 0.2%). This variant has not been reported in the literature in individuals affected with AMN-related conditions. Algorithms developed to predict the effect of missense changes on protein structure and function are either unavailable or do not agree on the potential impact of this missense change (SIFT: "Deleterious"; PolyPhen-2: "Probably Damaging"; Align-GVGD: "Class C0"). Algorithms developed to predict the effect of sequence changes on RNA splicing suggest that this variant may create or strengthen a splice site. In summary, the available evidence is currently insufficient to determine the role of this variant in disease. Therefore, it has been classified as a Variant of Uncertain Significance.

NM_030943.4(AMN):c.928G>A (p.Val310Met)

Gene: AMN (amnion associated transmembrane protein; plus strand). Cytogenetic location: 14q32.32.
Variant type: single nucleotide variant.
Coding change: c.928G>A on transcript NM_030943.4 (MANE Select); coding-DNA position 928, G replaced by A.
Protein change: p.Val310Met; replaces valine 310 with methionine.
Molecular consequence: missense variant.
Genome position (GRCh38, 1-based): chr14:102,930,008, G>A. VCF-style: chr14-102930008-G-A. GRCh37 (hg19) VCF-style: chr14-103396345-G-A.
Other names: short protein forms V310M.
Identifiers: ClinVar variation 1419551 (VCV001419551.6), dbSNP rs201788173, ClinGen allele CA7360040.